The following is an entry in ClinVar:

NM_001010909.5(MUC21):c.966A>G (p.Thr322=)

Genes: MUC21 (mucin 21, cell surface associated; plus strand), LOC126859647 (CDK7 strongly-dependent group 2 enhancer GRCh37_chr6:30954612-30955811; plus strand). Cytogenetic location: 6p21.33.
Variant type: single nucleotide variant.
Coding change: c.966A>G on transcript NM_001010909.5 (MANE Select); coding-DNA position 966, A replaced by G.
Protein change: p.Thr322=; no amino-acid change (threonine 322 retained).
Molecular consequence: synonymous variant. On other transcripts: non-coding transcript variant (1).
Genome position (GRCh38, 1-based): chr6:30,987,141, A>G. VCF-style: chr6-30987141-A-G. GRCh37 (hg19) VCF-style: chr6-30954918-A-G.
Other names: c.1056A>G, p.Thr352= (NM_001322370.2, NM_001322371.2).
Identifiers: ClinVar variation 2656365 (VCV002656365.24), dbSNP rs879177234, ClinGen allele CA3707364.

ClinVar aggregate classification (germline): Likely benign (1 of 4 stars; one submission).

Submission:

CeGaT Center for Human Genetics Tuebingen
Classification: Likely benign. Last evaluated: 2026-08-01. Review status: criteria provided, single submitter. Criteria: CeGaT Center For Human Genetics Tuebingen Variant Classification Criteria Version 2. Collection method: clinical testing. Allele origin: germline. Affected: yes. Observed: 14 variant alleles.
Comment: MUC21: BP4, BP7